The following is an entry in ClinVar:

ClinVar aggregate classification (germline): Uncertain significance. Review status: criteria provided, multiple submitters, no conflicts (2 of 4 stars). 2 submissions from 2 submitters: Uncertain significance (2). Last evaluated 2024-05-31.

Conditions:
Familial juvenile hyperuricemic nephropathy type 2 (ADTKD4). Also called: Autosomal Dominant Tubulointerstitial Kidney Disease – REN; EARLY-ONSET HYPERURICEMIA, ANEMIA, AND PROGRESSIVE KIDNEY FAILURE. Identifiers: Orphanet 217330, MedGen C2751310, MONDO:0013128, OMIM 613092.
Renal tubular dysgenesis of genetic origin. Also called: PRIMITIVE RENAL TUBULE SYNDROME. Identifiers: Orphanet 97369, MedGen C5681536, MONDO:0009970, OMIM 267430.

Allele frequency attached by ClinVar (database versions not stated): ExAC 0.00002; TOPMed 0.00003.
gnomAD v4.1: 10 of 1,614,212 alleles (0.00062%); highest among the groups gnomAD compares: South Asian, 0.0033%; no homozygotes.

Submissions (2):

Fulgent Genetics
Classification: Uncertain significance for Renal tubular dysgenesis of genetic origin; Familial juvenile hyperuricemic nephropathy type 2. Last evaluated: 2024-05-31. Review status: criteria provided, single submitter. Criteria: ACMG Guidelines, 2015. Collection method: clinical testing. Allele origin: germline.

Labcorp Genetics (formerly Invitae), Labcorp
Classification: Uncertain significance. Last evaluated: 2023-02-22. Review status: criteria provided, single submitter. Criteria: Invitae Variant Classification Sherloc (09022015). Collection method: clinical testing. Allele origin: germline.
Comment: This variant is present in population databases (rs766783107, gnomAD 0.01%). This sequence change replaces glutamic acid, which is acidic and polar, with lysine, which is basic and polar, at codon 233 of the REN protein (p.Glu233Lys). This variant has not been reported in the literature in individuals affected with REN-related conditions. Algorithms developed to predict the effect of missense changes on protein structure and function output the following: SIFT: "Not Available"; PolyPhen-2: "Benign"; Align-GVGD: "Not Available". The lysine amino acid residue is found in multiple mammalian species, which suggests that this missense change does not adversely affect protein function. In summary, the available evidence is currently insufficient to determine the role of this variant in disease. Therefore, it has been classified as a Variant of Uncertain Significance.

NM_000537.4(REN):c.697G>A (p.Glu233Lys)

Gene: REN (renin; minus strand). Cytogenetic location: 1q32.1.
Variant type: single nucleotide variant.
Coding change: c.697G>A on transcript NM_000537.4 (MANE Select); coding-DNA position 697, G replaced by A.
Protein change: p.Glu233Lys; replaces glutamic acid 233 with lysine.
Molecular consequence: missense variant.
Genome position (GRCh38, 1-based): chr1:204,157,362, C>T on the plus strand (G>A on the coding strand, the complement: REN is on the minus strand). VCF-style: chr1-204157362-C-T. GRCh37 (hg19) VCF-style: chr1-204126490-C-T.
Other names: short protein forms E233K.
Identifiers: ClinVar variation 2974171 (VCV002974171.4), dbSNP rs766783107, ClinGen allele CA1344832.